The following is an entry in ClinVar:

NM_007118.4(TRIO):c.2092G>T (p.Val698Leu)

Gene: TRIO (trio Rho guanine nucleotide exchange factor; plus strand). Cytogenetic location: 5p15.2.
Variant type: single nucleotide variant.
Coding change: c.2092G>T on transcript NM_007118.4 (MANE Select); coding-DNA position 2092, G replaced by T.
Protein change: p.Val698Leu; replaces valine 698 with leucine.
Molecular consequence: missense variant. On other transcripts: non-coding transcript variant (1).
Genome position (GRCh38, 1-based): chr5:14,358,223, G>T. VCF-style: chr5-14358223-G-T. GRCh37 (hg19) VCF-style: chr5-14358332-G-T.
Other names: short protein forms V698L.
Identifiers: ClinVar variation 3572533 (VCV003572533.2).

ClinVar aggregate classification (germline): Uncertain significance (1 of 4 stars; one submission).

gnomAD v4.1: 2 of 1,614,002 alleles (0.00012%); highest among the groups gnomAD compares: African/African-American, 0.0013%; no homozygotes.

Submission:

GeneDx
Classification: Uncertain significance. Last evaluated: 2025-05-15. Review status: criteria provided, single submitter. Criteria: GeneDx Variant Classification Process June 2021. Collection method: clinical testing. Allele origin: germline.
Comment: Not observed at significant frequency in large population cohorts (gnomAD); In silico analysis suggests that this missense variant does not alter protein structure/function; Has not been previously published as pathogenic or benign to our knowledge